The following is an entry in ClinVar:

NM_000232.5(SGCB):c.12GGC[5] (p.Ala9dup)

Genes: SGCB (sarcoglycan beta; minus strand), LOC129992585 (ATAC-STARR-seq lymphoblastoid silent region 15421; plus strand). Cytogenetic location: 4q12.
Variant type: Microsatellite.
Coding change: c.12GGC[5] on transcript NM_000232.5 (MANE Select); five copies in a row of the 3-base unit GGC starting at c.12; the reference has four copies in a row; one copy, 3 bases duplicated; also written c.21_23dup.
Protein change: p.Ala9dup; duplicates alanine 9.
Molecular consequence: inframe insertion.
Genome position (GRCh38, 1-based): chr4:52,038,237-52,038,239, GCC duplicated on the plus strand (GGC on the coding strand, the reverse complement: SGCB is on the minus strand); duplicating any 3 consecutive bases within chr4:52,038,237-52,038,250 gives the same sequence; the position shown is the placement nearest the transcript's 3' end. VCF-style (leftmost placement, unchanged base first): chr4-52038236-A-AGCC. GRCh37 (hg19) VCF-style: chr4-52904402-A-AGCC.
Other names: c.21_23dupGGC (NM_000232.4, NM_000232.5); c.21_23dup (NM_000232.5).
Identifiers: ClinVar variation 193064 (VCV000193064.23), dbSNP rs768838951, ClinGen allele CA238567.

ClinVar aggregate classification (germline): Uncertain significance. Review status: criteria provided, multiple submitters, no conflicts (2 of 4 stars). 8 submissions from 8 submitters: Uncertain significance (7). 1 of the submissions does not count toward it. Last evaluated 2026-01-27.

Conditions:
Autosomal recessive limb-girdle muscular dystrophy type 2E (LGMDR4). Also called: MUSCULAR DYSTROPHY, LIMB-GIRDLE, AUTOSOMAL RECESSIVE 4. Identifiers: Orphanet 119, MedGen C1858593, MONDO:0011423, OMIM 604286. Disease mechanism: Affects gamma-sarcoglycan and also disrupts the integrity of the entire sarcoglycan complex..

Submissions (8):

GeneDx
Classification: Uncertain significance. Last evaluated: 2026-01-27. Review status: criteria provided, single submitter. Criteria: GeneDx Variant Classification Process June 2021. Collection method: clinical testing. Allele origin: germline.
Comment: Reported as a single heterozygous variant in a neonate with elevated creatine kinase levels (PMID: 22451200); In-frame duplication of 1 amino acid in a repetitive region with no known function; This variant is associated with the following publications: (PMID: 22451200)

Women's Health and Genetics/Laboratory Corporation of America, LabCorp
Classification: Uncertain significance. Last evaluated: 2025-09-15. Review status: criteria provided, single submitter. Criteria: LabCorp Variant Classification Summary - May 2015. Collection method: clinical testing. Allele origin: germline.
Comment: Variant summary: SGCB c.21_23dupGGC (p.Ala9dup) results in an in-frame duplication that is predicted to duplicate one amino acid into the encoded protein. The variant allele was found at a frequency of 0.00021 in 37246 control chromosomes. The available data on variant occurrences in the general population are insufficient to allow any conclusion about variant significance.c.21_23dupGGC has been reported in a newborn with elevated creatine kinase levels (Mendell_2012). This report does not provide unequivocal conclusions about association of the variant with Limb-Girdle Muscular Dystrophy, Autosomal Recessive. To our knowledge, no experimental evidence demonstrating an impact on protein function has been reported. The following publication has been ascertained in the context of this evaluation (PMID: 22451200). ClinVar contains an entry for this variant (Variation ID: 193064). Based on the evidence outlined above, the variant was classified as uncertain significance.

Blueprint Genetics
Classification: Uncertain significance. Last evaluated: 2024-11-13. Review status: criteria provided, single submitter. Criteria: ACMG Guidelines, 2015. Collection method: clinical testing. Allele origin: germline.

Labcorp Genetics (formerly Invitae), Labcorp
Classification: Uncertain significance for Autosomal recessive limb-girdle muscular dystrophy type 2E. Last evaluated: 2022-10-13. Review status: criteria provided, single submitter. Criteria: Invitae Variant Classification Sherloc (09022015). Collection method: clinical testing. Allele origin: germline.
Comment: This variant, c.21_23dup, results in the insertion of 1 amino acid(s) of the SGCB protein (p.Ala9dup), but otherwise preserves the integrity of the reading frame. The frequency data for this variant in the population databases is considered unreliable, as metrics indicate poor data quality at this position in the gnomAD database. This variant has been observed in individual(s) with elevated creatine kinase levels (PMID: 22451200). ClinVar contains an entry for this variant (Variation ID: 193064). Experimental studies and prediction algorithms are not available or were not evaluated, and the functional significance of this variant is currently unknown. In summary, the available evidence is currently insufficient to determine the role of this variant in disease. Therefore, it has been classified as a Variant of Uncertain Significance.

Fulgent Genetics
Classification: Uncertain significance for Autosomal recessive limb-girdle muscular dystrophy type 2E. Last evaluated: 2022-02-25. Review status: criteria provided, single submitter. Criteria: ACMG Guidelines, 2015. Collection method: clinical testing. Allele origin: unknown.

Athena Diagnostics
Classification: Uncertain significance. Last evaluated: 2019-03-12. Review status: criteria provided, single submitter. Criteria: Athena Diagnostics Criteria. Collection method: clinical testing. Allele origin: germline.

Eurofins Ntd Llc (ga)
Classification: Uncertain significance. Last evaluated: 2016-03-03. Review status: criteria provided, single submitter. Criteria: EGL Classification Definitions. Collection method: clinical testing. Allele origin: germline. Observed: 7 variant alleles, 7 heterozygotes.
Comment: The c.21_23dupGGC (p.A9dup) SGCB variant has been reported in individuals with elevated CK or LGMD, however little information was provided and other variants of unknown significance in other genes were noted.1,2 This variant has also been reported in the general population;3-6 however, the frequency data is insufficient to determine the clinical significance of this variant at this time. It is therefore classified as a variant of unknown significance. 1. Mendell et al. Ann Neurol. 2012 Mar;71(3):304-13. 2. 3-6 pop db TMS 8-11-16

Natera, Inc.
Classification: Uncertain significance for Limb-girdle muscular dystrophy type 2E. Last evaluated: 2019-11-01. Review status: no assertion criteria provided. Collection method: clinical testing. Allele origin: germline. Not counted in ClinVar's aggregate classification.

Literature cited by the submitters: PubMed 22451200 (cited by 3 submitters).